The following is an entry in ClinVar:

NM_000127.3(EXT1):c.1417+1G>C

Gene: EXT1 (exostosin glycosyltransferase 1; minus strand). Cytogenetic location: 8q24.11.
Variant type: single nucleotide variant.
Coding change: c.1417+1G>C on transcript NM_000127.3 (MANE Select); the canonical splice donor site of the intron after coding-DNA position 1417, G replaced by C.
Molecular consequence: splice donor variant.
Genome position (GRCh38, 1-based): chr8:117,822,464, C>G on the plus strand (G>C on the coding strand, the complement: EXT1 is on the minus strand). VCF-style: chr8-117822464-C-G. GRCh37 (hg19) VCF-style: chr8-118834703-C-G.
Identifiers: ClinVar variation 4712066 (VCV004712066.1).

ClinVar aggregate classification (germline): Pathogenic (1 of 4 stars; one submission).

Conditions:
Multiple congenital exostosis (EXT). Also called: MULTIPLE CARTILAGINOUS EXOSTOSES; Hereditary multiple exostoses; Hereditary multiple exostosis; Hereditary multiple osteochondromas; Multiple osteochondromas; Multiple exostoses. Identifiers: Orphanet 321, MedGen C0015306, MONDO:0005508, HP:0002762.

Submission:

Labcorp Genetics (formerly Invitae), Labcorp
Classification: Pathogenic for Multiple congenital exostosis. Last evaluated: 2025-02-15. Review status: criteria provided, single submitter. Criteria: Invitae Variant Classification Sherloc (09022015). Collection method: clinical testing. Allele origin: germline.
Comment: This sequence change affects a donor splice site in intron 5 of the EXT1 gene. It is expected to disrupt RNA splicing. Variants that disrupt the donor or acceptor splice site typically lead to a loss of protein function (PMID: 16199547), and loss-of-function variants in EXT1 are known to be pathogenic (PMID: 10679937, 11391482, 19810120). This variant is not present in population databases (gnomAD no frequency). Disruption of this splice site has been observed in individuals with multiple osteochondromas (PMID: 9326317, 19810120). Algorithms developed to predict the effect of sequence changes on RNA splicing suggest that this variant may disrupt the consensus splice site. For these reasons, this variant has been classified as Pathogenic.

Literature cited by the submitters: PubMed 16199547; PubMed 10679937; PubMed 11391482; PubMed 19810120; PubMed 9326317.